The following is an entry in ClinVar:

NM_000245.4(MET):c.3539A>T (p.Asp1180Val)

Gene: MET (MET proto-oncogene, receptor tyrosine kinase; plus strand). Cytogenetic location: 7q31.2.
Variant type: single nucleotide variant.
Coding change: c.3539A>T on transcript NM_000245.4 (MANE Select); coding-DNA position 3539, A replaced by T.
Protein change: p.Asp1180Val; replaces aspartic acid 1180 with valine.
Molecular consequence: missense variant.
Genome position (GRCh38, 1-based): chr7:116,782,004, A>T. VCF-style: chr7-116782004-A-T. GRCh37 (hg19) VCF-style: chr7-116422058-A-T.
Other names: c.3593A>T, p.Asp1198Val (NM_001127500.3); c.2249A>T, p.Asp750Val (NM_001324402.2); short protein forms D1180V, D1198V, D750V.
Identifiers: ClinVar variation 1006167 (VCV001006167.9), dbSNP rs751961995, ClinGen allele CA4448746.
Genomic context (GRCh38, chr7:116,782,004, plus strand): 5'-AGTAGATGCTTAGTTTATGCTTTTCTAACTCTCTTTGACTGCAGAATCCAACTGTAAAAG[A>T]TCTTATTGGCTTTGGTCTTCAAGTAGCCAAAGGCATGAAATATCTTGCAAGCAAAAAGTT-3'
Protein context (NP_000236.2, residues 1170-1190): RNETHNPTVK[Asp1180Val]LIGFGLQVAK

ClinVar aggregate classification (germline): Uncertain significance. Review status: criteria provided, multiple submitters, no conflicts (2 of 4 stars). 3 submissions from 3 submitters: Uncertain significance (3). Last evaluated 2025-02-28.

Conditions:
Renal cell carcinoma. Identifiers: Orphanet 217071, MedGen C0007134, MeSH D002292, MONDO:0005086, HP:0005584.
Hereditary cancer-predisposing syndrome. Also called: Tumor predisposition; Neoplastic Syndromes, Hereditary; Hereditary neoplastic syndrome; Hereditary Cancer Syndrome. Identifiers: Orphanet 140162, MedGen C0027672, MeSH D009386, MONDO:0015356.

Allele frequency attached by ClinVar (database versions not stated): ExAC 0.00002; TOPMed below 0.00001; gnomAD 0.00001; gnomAD exomes 0.00001.
gnomAD v4.1: 4 of 1,612,884 alleles (0.00025%); highest among the groups gnomAD compares: Admixed American, 0.0033%; no homozygotes.

Submissions (3):

GeneDx
Classification: Uncertain significance. Last evaluated: 2025-02-28. Review status: criteria provided, single submitter. Criteria: GeneDx Variant Classification Process June 2021. Collection method: clinical testing. Allele origin: germline.
Comment: Not observed at significant frequency in large population cohorts (gnomAD); In silico analysis supports that this missense variant has a deleterious effect on protein structure/function; Has not been previously published as pathogenic or benign to our knowledge

Ambry Genetics
Classification: Uncertain significance for Hereditary cancer-predisposing syndrome. Last evaluated: 2024-05-28. Review status: criteria provided, single submitter. Criteria: Ambry Variant Classification Scheme 2023. Collection method: clinical testing. Allele origin: germline.
Comment: The p.D1198V variant (also known as c.3593A>T), located in coding exon 17 of the MET gene, results from an A to T substitution at nucleotide position 3593. The aspartic acid at codon 1198 is replaced by valine, an amino acid with highly dissimilar properties. This amino acid position is highly conserved in available vertebrate species. In addition, this alteration is predicted to be deleterious by in silico analysis. Based on the available evidence, the clinical significance of this variant remains unclear.

Labcorp Genetics (formerly Invitae), Labcorp
Classification: Uncertain significance for Renal cell carcinoma. Last evaluated: 2023-12-01. Review status: criteria provided, single submitter. Criteria: Invitae Variant Classification Sherloc (09022015). Collection method: clinical testing. Allele origin: germline.
Comment: This sequence change replaces aspartic acid, which is acidic and polar, with valine, which is neutral and non-polar, at codon 1198 of the MET protein (p.Asp1198Val). This variant is present in population databases (rs751961995, gnomAD 0.006%). This variant has not been reported in the literature in individuals affected with MET-related conditions. ClinVar contains an entry for this variant (Variation ID: 1006167). Advanced modeling of protein sequence and biophysical properties (such as structural, functional, and spatial information, amino acid conservation, physicochemical variation, residue mobility, and thermodynamic stability) performed at Invitae indicates that this missense variant is expected to disrupt MET protein function with a positive predictive value of 80%. In summary, the available evidence is currently insufficient to determine the role of this variant in disease. Therefore, it has been classified as a Variant of Uncertain Significance.